The following is an entry in ClinVar:

ClinVar aggregate classification (germline): Benign/Likely benign. Review status: criteria provided, multiple submitters, no conflicts (2 of 4 stars). 3 submissions from 3 submitters: Benign (1); Likely benign (2). Last evaluated 2025-01-16.

Conditions:
Hereditary cancer-predisposing syndrome. Also called: Neoplastic Syndromes, Hereditary; Hereditary Cancer Syndrome; Hereditary neoplastic syndrome; Tumor predisposition. Identifiers: Orphanet 140162, MedGen C0027672, MeSH D009386, MONDO:0015356.
Familial cancer of breast. Also called: BREAST CANCER, FAMILIAL; Hereditary breast cancer; hereditary breast carcinoma. Identifiers: Orphanet 227535, MedGen C0346153, MONDO:0016419, OMIM 114480. Disease mechanism: loss of function.

Submissions (3):

Myriad Genetics, Inc.
Classification: Benign for Familial cancer of breast. Last evaluated: 2025-01-16. Review status: criteria provided, single submitter. Criteria: Myriad Autosomal Dominant, Autosomal Recessive and X-Linked Classification Criteria (2023). Collection method: clinical testing. Allele origin: unknown.
Comment: This variant is considered benign. This variant is a silent/synonymous amino acid change and it is not expected to impact splicing.

Labcorp Genetics (formerly Invitae), Labcorp
Classification: Likely benign for Familial cancer of breast. Last evaluated: 2023-05-07. Review status: criteria provided, single submitter. Criteria: Invitae Variant Classification Sherloc (09022015). Collection method: clinical testing. Allele origin: germline.

Ambry Genetics
Classification: Likely benign for Hereditary cancer-predisposing syndrome. Last evaluated: 2023-03-22. Review status: criteria provided, single submitter. Criteria: Ambry Variant Classification Scheme 2023. Collection method: clinical testing. Allele origin: germline.

NM_024675.4(PALB2):c.2505C>A (p.Ser835=)

Gene: PALB2 (partner and localizer of BRCA2; minus strand). Cytogenetic location: 16p12.2.
Variant type: single nucleotide variant.
Coding change: c.2505C>A on transcript NM_024675.4 (MANE Select); coding-DNA position 2505, C replaced by A.
Protein change: p.Ser835=; no amino-acid change (serine 835 retained).
Molecular consequence: synonymous variant.
Genome position (GRCh38, 1-based): chr16:23,629,649, G>T on the plus strand (C>A on the coding strand, the complement: PALB2 is on the minus strand). VCF-style: chr16-23629649-G-T. GRCh37 (hg19) VCF-style: chr16-23640970-G-T.
Identifiers: ClinVar variation 460944 (VCV000460944.14), dbSNP rs756502783, ClinGen allele CA494460862.
Genomic context (GRCh38, chr16:23,629,649, plus strand): 5'-TAAGGCATTTCATTCCTTCAGAGAAAATTTCACAGAGGAAATGGATTGTACCTGTTCGAC[G>T]GAATGTTTATGCAGCTCCTGGCATGTGTTTCTACAGAGCTGATTTTCTTTAAAAGTGAAT-3'
Protein context (NP_078951.2, residues 825-845): RNTCQELHKH[Ser835=]VEQTETAELP